The following is an entry in ClinVar:

NM_015629.4(PRPF31):c.1374+579G>A

Gene: PRPF31 (pre-mRNA processing factor 31; plus strand). Cytogenetic location: 19q13.42.
Variant type: single nucleotide variant.
Coding change: c.1374+579G>A on transcript NM_015629.4 (MANE Select); 579 bases into the intron after coding-DNA position 1374, G replaced by A.
Molecular consequence: intron variant.
Genome position (GRCh38, 1-based): chr19:54,129,949, G>A. VCF-style: chr19-54129949-G-A. GRCh37 (hg19) VCF-style: chr19-54633324-G-A.
Identifiers: ClinVar variation 4984140 (VCV004984140.1).

ClinVar aggregate classification (germline): Likely benign (1 of 4 stars; one submission).

Conditions:
PRPF31-related disorder. Also called: PRPF31-related condition.

Submission:

PreventionGenetics, part of Exact Sciences
Classification: Likely benign for PRPF31-related condition. Last evaluated: 2026-08-13. Review status: criteria provided, single submitter. Criteria: ACMG Guidelines, 2015. Collection method: clinical testing. Allele origin: germline.
Comment: This variant is classified as likely benign based on ACMG/AMP sequence variant interpretation guidelines (Richards et al. 2015 PMID: 25741868, with internal and published modifications).